The following is an entry in ClinVar:

ClinVar aggregate classification (germline): Conflicting classifications of pathogenicity. Review status: criteria provided, conflicting classifications (1 of 4 stars). 4 submissions from 4 submitters: Uncertain significance (2); Benign (1). 1 of the submissions does not count toward it. Last evaluated 2025-02-03.

Conditions:
PIEZO1-related disorder. Also called: PIEZO1-related condition; PIEZO1-Related Disorders.

gnomAD v4.1: 49 of 1,550,164 alleles (0.0032%); highest among the groups gnomAD compares: Middle Eastern, 0.05%; no homozygotes.

Submissions (4):

Labcorp Genetics (formerly Invitae), Labcorp
Classification: Benign. Last evaluated: 2025-02-03. Review status: criteria provided, single submitter. Criteria: Invitae Variant Classification Sherloc (09022015). Collection method: clinical testing. Allele origin: germline.

Women's Health and Genetics/Laboratory Corporation of America, LabCorp
Classification: Uncertain significance. Last evaluated: 2024-11-20. Review status: criteria provided, single submitter. Criteria: LabCorp Variant Classification Summary - May 2015. Collection method: clinical testing. Allele origin: germline.
Comment: Variant summary: PIEZO1 c.1930G>A (p.Val644Ile) results in a conservative amino acid change in the encoded protein sequence. Five of five in-silico tools predict a benign effect of the variant on protein function. The variant allele was found at a frequency of 2.6e-05 in 155614 control chromosomes. The available data on variant occurrences in the general population are insufficient to allow any conclusion about variant significance. To our knowledge, no occurrence of c.1930G>A in individuals affected with Dehydrated Hereditary Stomatocytosis With Or Without Pseudohyperkalemia And/or Perinatal Edema and no experimental evidence demonstrating its impact on protein function have been reported. ClinVar contains an entry for this variant (Variation ID: 2722201). Based on the evidence outlined above, the variant was classified as uncertain significance.

Revvity Omics, Revvity
Classification: Uncertain significance. Last evaluated: 2024-07-17. Review status: criteria provided, single submitter. Criteria: ACMG Guidelines, 2015. Collection method: clinical testing. Allele origin: germline.

PreventionGenetics, part of Exact Sciences
Classification: Uncertain significance for PIEZO1-related condition. Last evaluated: 2024-04-17. Review status: no assertion criteria provided. Collection method: clinical testing. Allele origin: germline. Not counted in ClinVar's aggregate classification.
Comment: The PIEZO1 c.1930G>A variant is predicted to result in the amino acid substitution p.Val644Ile. To our knowledge, this variant has not been reported in the literature. This variant is reported in 0.0044% of alleles in individuals of South Asian descent in gnomAD. At this time, the clinical significance of this variant is uncertain due to the absence of conclusive functional and genetic evidence.

NM_001142864.4(PIEZO1):c.1930G>A (p.Val644Ile)

Genes: HSALR1 (HSP90AB1 associated lncRNA 1; plus strand), PIEZO1 (piezo type mechanosensitive ion channel component 1 (Er blood group); minus strand). Cytogenetic location: 16q24.3.
Variant type: single nucleotide variant.
Coding change: c.1930G>A on transcript NM_001142864.4 (MANE Select); coding-DNA position 1930, G replaced by A.
Protein change: p.Val644Ile; replaces valine 644 with isoleucine.
Molecular consequence: missense variant.
Genome position (GRCh38, 1-based): chr16:88,734,717, C>T on the plus strand (G>A on the coding strand, the complement: PIEZO1 is on the minus strand). VCF-style: chr16-88734717-C-T. GRCh37 (hg19) VCF-style: chr16-88801125-C-T.
Other names: c.475G>A, p.Val159Ile (NM_014745.1); c.1930G>A (NM_001142864.3); short protein forms V159I, V644I.
Identifiers: ClinVar variation 2722201 (VCV002722201.6), dbSNP rs1314158150, ClinGen allele CA397114703.